The following is an entry in ClinVar:

ClinVar aggregate classification (germline): Uncertain significance. Review status: criteria provided, multiple submitters, no conflicts (2 of 4 stars). 2 submissions from 2 submitters: Uncertain significance (2). Last evaluated 2025-03-28.

Conditions:
Inborn genetic diseases. Identifiers: MedGen C0950123, MeSH D030342.

gnomAD v4.1: 1 of 1,613,160 alleles (0.000062%); highest among the groups gnomAD compares: Non-Finnish European, 0.000085%; no homozygotes.

Submissions (2):

Ambry Genetics
Classification: Uncertain significance for Inborn genetic diseases. Last evaluated: 2025-03-28. Review status: criteria provided, single submitter. Criteria: Ambry Variant Classification Scheme 2023. Collection method: clinical testing. Allele origin: germline.

GeneDx
Classification: Uncertain significance. Last evaluated: 2025-03-25. Review status: criteria provided, single submitter. Criteria: GeneDx Variant Classification Process June 2021. Collection method: clinical testing. Allele origin: germline.
Comment: Not observed at significant frequency in large population cohorts (gnomAD); In silico analysis indicates that this missense variant does not alter protein structure/function; Has not been previously published as pathogenic or benign to our knowledge

NM_016239.4(MYO15A):c.3381C>G (p.Phe1127Leu)

Gene: MYO15A (myosin XVA; plus strand). Cytogenetic location: 17p11.2.
Variant type: single nucleotide variant.
Coding change: c.3381C>G on transcript NM_016239.4 (MANE Select); coding-DNA position 3381, C replaced by G.
Protein change: p.Phe1127Leu; replaces phenylalanine 1127 with leucine.
Molecular consequence: missense variant.
Genome position (GRCh38, 1-based): chr17:18,122,181, C>G. VCF-style: chr17-18122181-C-G. GRCh37 (hg19) VCF-style: chr17-18025495-C-G.
Other names: short protein forms F1127L.
Identifiers: ClinVar variation 3769834 (VCV003769834.3).